The following is an entry in ClinVar:

NM_000187.4(HGD):c.469+5G>A

Gene: HGD (homogentisate 1,2-dioxygenase; minus strand). Cytogenetic location: 3q13.33.
Variant type: single nucleotide variant.
Coding change: c.469+5G>A on transcript NM_000187.4 (MANE Select); 5 bases into the intron after coding-DNA position 469, G replaced by A.
Molecular consequence: intron variant.
Genome position (GRCh38, 1-based): chr3:120,647,872, C>T on the plus strand (G>A on the coding strand, the complement: HGD is on the minus strand). VCF-style: chr3-120647872-C-T. GRCh37 (hg19) VCF-style: chr3-120366719-C-T.
Identifiers: ClinVar variation 2584770 (VCV002584770.2), dbSNP rs2472705290, ClinGen allele CA2577865317.

ClinVar aggregate classification (germline): Pathogenic (0 of 4 stars; one submission).

Conditions:
Alkaptonuria (AKU). Also called: Alkaptonuric ochronosis; Homogentisic acidura; HOMOGENTISIC ACID OXIDASE DEFICIENCY; Alcaptonuria. Identifiers: Orphanet 56, MedGen C0002066, MONDO:0008753, OMIM 203500.

Submission:

Department Of Human Genetics, Institute Of Clinical And Translational Research, Biomedical Research Center, Slovak Academy Of Sciences
Classification: Pathogenic for Alkaptonuria. Review status: no assertion criteria provided. Collection method: research. Allele origin: germline. Inheritance: Autosomal recessive inheritance. Affected: yes. Observed: 5 variant alleles.
Comment: The variant was originally described in PMID:10819641. It has been submitted to the HGD gene mutation database (DB-ID: AKU_00045).

Literature cited by the submitters: PubMed 10819641.